The following is an entry in ClinVar:

NM_000044.6(AR):c.2637del (p.Phe879fs)

Gene: AR (androgen receptor; plus strand). Cytogenetic location: Xq12.
Variant type: Deletion.
Coding change: c.2637del on transcript NM_000044.6 (MANE Select); coding-DNA position 2637, one base deleted (T; older notation c.2637delT).
Protein change: p.Phe879fs; shifts the reading frame from phenylalanine 879.
Molecular consequence: frameshift variant.
Genome position (GRCh38, 1-based): chrX:67,723,715, T deleted; the last of 4 consecutive T bases (chrX:67,723,712-67,723,715); deleting any one gives the same sequence. VCF-style (leftmost placement, unchanged base first): chrX-67723711-CT-C. GRCh37 (hg19) VCF-style: chrX-66943553-CT-C.
Other names: c.1041del, p.Phe347fs (NM_001011645.3); short protein forms F347fs, F879fs.
Identifiers: ClinVar variation 3756074 (VCV003756074.2).

ClinVar aggregate classification (germline): Pathogenic (1 of 4 stars; one submission).

Conditions:
Kennedy disease (SMAX1). Also called: SPINAL AND BULBAR MUSCULAR ATROPHY, X-LINKED 1; KENNEDY SPINAL AND BULBAR MUSCULAR ATROPHY; Spinal and Bulbar Muscular Atrophy. Identifiers: Orphanet 481, MedGen C1839259, MONDO:0010735, OMIM 313200.
Androgen resistance syndrome (AIS). Also called: ANDROGEN RECEPTOR DEFICIENCY; DIHYDROTESTOSTERONE RECEPTOR DEFICIENCY; TESTICULAR FEMINIZATION SYNDROME; Androgen insensitivity syndrome; Androgen insensitivity; DHTR DEFICIENCY. Identifiers: Orphanet 754, Orphanet 99429, MedGen C0039585, MONDO:0019154, OMIM 300068. Disease mechanism: loss of function.

Submission:

Labcorp Genetics (formerly Invitae), Labcorp
Classification: Pathogenic for Kennedy disease; Androgen resistance syndrome. Last evaluated: 2024-04-25. Review status: criteria provided, single submitter. Criteria: Invitae Variant Classification Sherloc (09022015). Collection method: clinical testing. Allele origin: germline.
Comment: This sequence change creates a premature translational stop signal (p.Phe879Leufs*4) in the AR gene. While this is not anticipated to result in nonsense mediated decay, it is expected to disrupt the last 42 amino acid(s) of the AR protein. This variant is not present in population databases (gnomAD no frequency). This variant has not been reported in the literature in individuals affected with AR-related conditions. This variant disrupts a region of the AR protein in which other variant(s) (p.Pro905Ser) have been determined to be pathogenic (PMID: 1458719, 12843171; Invitae). This suggests that this is a clinically significant region of the protein, and that variants that disrupt it are likely to be disease-causing. For these reasons, this variant has been classified as Pathogenic.

Literature cited by the submitters: PubMed 1458719; PubMed 12843171.